The following is an entry in ClinVar:

NM_000051.4(ATM):c.2098C>T (p.Gln700Ter)

Gene: ATM (ATM serine/threonine kinase; plus strand). Cytogenetic location: 11q22.3.
Variant type: single nucleotide variant.
Coding change: c.2098C>T on transcript NM_000051.4 (MANE Select); coding-DNA position 2098, C replaced by T.
Protein change: p.Gln700Ter; replaces glutamine 700 with a stop codon.
Molecular consequence: nonsense.
Genome position (GRCh38, 1-based): chr11:108,254,013, C>T. VCF-style: chr11-108254013-C-T. GRCh37 (hg19) VCF-style: chr11-108124740-C-T.
Other names: c.2098C>T, p.Gln700Ter (NM_001351834.2); short protein forms Q700*.
Identifiers: ClinVar variation 186167 (VCV000186167.23), dbSNP rs786202743, ClinGen allele CA194043.

ClinVar aggregate classification (germline): Pathogenic/Likely pathogenic. Review status: criteria provided, multiple submitters, no conflicts (2 of 4 stars). 8 submissions from 8 submitters: Pathogenic (7); Likely pathogenic (1). Last evaluated 2026-02-03.

Conditions:
Hereditary cancer-predisposing syndrome. Also called: Hereditary Cancer Syndrome; Neoplastic Syndromes, Hereditary; Tumor predisposition; Hereditary neoplastic syndrome. Identifiers: Orphanet 140162, MedGen C0027672, MeSH D009386, MONDO:0015356.
Familial cancer of breast. Also called: BREAST CANCER, FAMILIAL; Hereditary breast cancer; hereditary breast carcinoma. Identifiers: Orphanet 227535, MedGen C0346153, MONDO:0016419, OMIM 114480. Disease mechanism: loss of function.
Ataxia-telangiectasia syndrome (AT). Also called: Ataxia-telangiectasia, complementation group D; AT, COMPLEMENTATION GROUP C; ATAXIA-TELANGIECTASIA, COMPLEMENTATION GROUP A; ATAXIA-TELANGIECTASIA, FRESNO VARIANT; Ataxia-telangiectasia; LOUIS-BAR SYNDROME. Identifiers: Orphanet 100, MedGen C0004135, MONDO:0008840, OMIM 208900.

Allele frequency attached by ClinVar (database versions not stated): gnomAD exomes below 0.00001; TOPMed below 0.00001.
gnomAD v4.1: 2 of 1,613,802 alleles (0.00012%); highest among the groups gnomAD compares: Non-Finnish European, 0.00017%; no homozygotes.

Submissions (8):

Labcorp Genetics (formerly Invitae), Labcorp
Classification: Pathogenic for Ataxia-telangiectasia syndrome. Last evaluated: 2026-02-03. Review status: criteria provided, single submitter. Criteria: Invitae Variant Classification Sherloc (09022015). Collection method: clinical testing. Allele origin: germline.
Comment: This sequence change creates a premature translational stop signal (p.Gln700*) in the ATM gene. It is expected to result in an absent or disrupted protein product. Loss-of-function variants in ATM are known to be pathogenic (PMID: 23807571, 25614872). This variant is not present in population databases (gnomAD no frequency). This premature translational stop signal has been observed in individual(s) with breast cancer (PMID: 26845104). ClinVar contains an entry for this variant (Variation ID: 186167). For these reasons, this variant has been classified as Pathogenic.

Myriad Genetics, Inc.
Classification: Pathogenic for Familial cancer of breast. Last evaluated: 2024-01-17. Review status: criteria provided, single submitter. Criteria: Myriad Autosomal Dominant, Autosomal Recessive and X-Linked Classification Criteria (2023). Collection method: clinical testing. Allele origin: unknown.
Comment: This variant is considered pathogenic. This variant creates a termination codon and is predicted to result in premature protein truncation.

GeneDx
Classification: Pathogenic. Last evaluated: 2023-11-27. Review status: criteria provided, single submitter. Criteria: GeneDx Variant Classification Process June 2021. Collection method: clinical testing. Allele origin: germline. Affected: yes.
Comment: Nonsense variant predicted to result in protein truncation or nonsense mediated decay in a gene for which loss of function is a known mechanism of disease; Not observed at significant frequency in large population cohorts (gnomAD); Truncating variants in this gene are considered pathogenic by a well-established clinical consortium and/or database; This variant is associated with the following publications: (PMID: 26845104, 26786923, 28691344, 31589614, 33804961, 21665257, 25037873)

Baylor Genetics
Classification: Pathogenic for Familial cancer of breast. Last evaluated: 2023-08-18. Review status: criteria provided, single submitter. Criteria: ACMG Guidelines, 2015. Collection method: clinical testing. Allele origin: unknown.

Ambry Genetics
Classification: Pathogenic for Hereditary cancer-predisposing syndrome. Last evaluated: 2023-01-06. Review status: criteria provided, single submitter. Criteria: Ambry Variant Classification Scheme 2023. Collection method: clinical testing. Allele origin: germline.
Comment: The p.Q700* pathogenic mutation (also known as c.2098C>T), located in coding exon 12 of the ATM gene, results from a C to T substitution at nucleotide position 2098. This changes the amino acid from a glutamine to a stop codon within coding exon 12. This alteration is expected to result in loss of function by premature protein truncation or nonsense-mediated mRNA decay. As such, this alteration is interpreted as a disease-causing mutation.

Color Diagnostics, LLC DBA Color Health
Classification: Pathogenic for Hereditary cancer-predisposing syndrome. Last evaluated: 2020-05-19. Review status: criteria provided, single submitter. Criteria: ACMG Guidelines, 2015. Collection method: clinical testing. Allele origin: germline.
Comment: This variant changes 1 nucleotide in exon 13 of the ATM gene, creating a premature translation stop signal. This variant is expected to result in an absent or non-functional protein product. To our knowledge, functional studies have not been reported for this variant. This variant has been reported in an individual affected with ataxia telangiectasia in the compound heterozygous state (PMID: 25037873) and at least three individuals with breast cancer (PMID: 26845104, 28691344). This variant has not been identified in the general population by the Genome Aggregation Database (gnomAD). Loss of ATM function is a known mechanism of disease. Based on the available evidence, this variant is classified as Pathogenic.

Fulgent Genetics
Classification: Pathogenic for Familial cancer of breast; Ataxia-telangiectasia syndrome. Last evaluated: 2018-10-31. Review status: criteria provided, single submitter. Criteria: ACMG Guidelines, 2015. Collection method: clinical testing. Allele origin: unknown.

University of Washington Department of Laboratory Medicine, University of Washington
Classification: Likely pathogenic for Hereditary cancer-predisposing syndrome. Last evaluated: 2015-11-20. Review status: criteria provided, single submitter. Criteria: Shirts et al. (Genet Med 2016). Collection method: clinical testing. Allele origin: germline. Affected: yes. Observed: 1 variant allele.

Literature cited by the submitters: PubMed 23807571 (cited by Labcorp Genetics (formerly Invitae), Labcorp); PubMed 25614872 (cited by Labcorp Genetics (formerly Invitae), Labcorp); PubMed 26845104 (cited by Labcorp Genetics (formerly Invitae), Labcorp).